The following is an entry in ClinVar:

ClinVar aggregate classification (germline): Uncertain significance (1 of 4 stars; one submission).

Conditions:
Inborn genetic diseases. Identifiers: MedGen C0950123, MeSH D030342.

Allele frequency attached by ClinVar (database versions not stated): gnomAD exomes below 0.00001; TOPMed below 0.00001.
gnomAD v4.1: 1 of 1,613,900 alleles (0.000062%); highest among the groups gnomAD compares: Non-Finnish European, 0.000085%; no homozygotes.

Submission:

Ambry Genetics
Classification: Uncertain significance for Inborn genetic diseases. Last evaluated: 2023-04-03. Review status: criteria provided, single submitter. Criteria: Ambry Variant Classification Scheme 2023. Collection method: clinical testing. Allele origin: germline.
Comment: The p.V1090G variant (also known as c.3269T>G), located in coding exon 16 of the ATR gene, results from a T to G substitution at nucleotide position 3269. The valine at codon 1090 is replaced by glycine, an amino acid with dissimilar properties. This amino acid position is conserved. In addition, the in silico prediction for this alteration is inconclusive. Since supporting evidence is limited at this time, the clinical significance of this alteration remains unclear.

NM_001184.4(ATR):c.3269T>G (p.Val1090Gly)

Gene: ATR (ATR checkpoint kinase; minus strand). Cytogenetic location: 3q23.
Variant type: single nucleotide variant.
Coding change: c.3269T>G on transcript NM_001184.4 (MANE Select); coding-DNA position 3269, T replaced by G.
Protein change: p.Val1090Gly; replaces valine 1090 with glycine.
Molecular consequence: missense variant.
Genome position (GRCh38, 1-based): chr3:142,547,813, A>C on the plus strand (T>G on the coding strand, the complement: ATR is on the minus strand). VCF-style: chr3-142547813-A-C. GRCh37 (hg19) VCF-style: chr3-142266655-A-C.
Other names: c.3077T>G, p.Val1026Gly (NM_001354579.2); short protein forms V1026G, V1090G.
Identifiers: ClinVar variation 2562506 (VCV002562506.2), dbSNP rs2034328511, ClinGen allele CA354810652.